The following is an entry in ClinVar:

ClinVar aggregate classification (germline): Likely benign. Review status: criteria provided, single submitter (1 of 4 stars). 2 submissions from 2 submitters: Likely benign (1). 1 of the submissions does not count toward it. Last evaluated 2024-02-26.

Conditions:
RP1-related disorder. Also called: RP1-related condition.

Allele frequency attached by ClinVar (database versions not stated): gnomAD 0.00001; ExAC 0.00002; gnomAD exomes 0.00002 and 0.00003; TOPMed 0.00002; ESP Exome Variant Server 0.00008.
gnomAD v4.1: 16 of 1,613,902 alleles (0.00099%); highest among the groups gnomAD compares: Middle Eastern, 0.033%; no homozygotes.

Submissions (2):

Labcorp Genetics (formerly Invitae), Labcorp
Classification: Likely benign. Last evaluated: 2024-02-26. Review status: criteria provided, single submitter. Criteria: Invitae Variant Classification Sherloc (09022015). Collection method: clinical testing. Allele origin: germline.

PreventionGenetics, part of Exact Sciences
Classification: Likely benign for RP1-related condition. Last evaluated: 2019-05-15. Review status: no assertion criteria provided. Collection method: clinical testing. Allele origin: germline. Not counted in ClinVar's aggregate classification.
Comment: This variant is classified as likely benign based on ACMG/AMP sequence variant interpretation guidelines (Richards et al. 2015 PMID: 25741868, with internal and published modifications).

NM_006269.2(RP1):c.6108C>T (p.Phe2036=)

Gene: RP1 (RP1 axonemal microtubule associated; plus strand). Cytogenetic location: 8q12.1.
Variant type: single nucleotide variant.
Coding change: c.6108C>T on transcript NM_006269.2 (MANE Select); coding-DNA position 6108, C replaced by T.
Protein change: p.Phe2036=; no amino-acid change (phenylalanine 2036 retained).
Molecular consequence: synonymous variant. On other transcripts: intron variant (1).
Genome position (GRCh38, 1-based): chr8:54,629,990, C>T. VCF-style: chr8-54629990-C-T. GRCh37 (hg19) VCF-style: chr8-55542550-C-T.
Other names: c.6108C>T (NM_006269.1); c.787+7702C>T (NM_001375654.1).
Identifiers: ClinVar variation 1623822 (VCV001623822.11), dbSNP rs377546732, ClinGen allele CA4752182.